The following is an entry in ClinVar:

ClinVar aggregate classification (germline): Likely pathogenic. Review status: criteria provided, single submitter (1 of 4 stars). 2 submissions from 2 submitters: Likely pathogenic (1). 1 of the submissions does not count toward it. Last evaluated 2026-06-11.

Conditions:
Hereditary factor IX deficiency disease (HEMB). Also called: Christmas Disease; Hemophilia B; PLASMA THROMBOPLASTIN COMPONENT DEFICIENCY; F9 DEFICIENCY; FACTOR IX DEFICIENCY. Identifiers: Orphanet 98879, MedGen C0008533, MeSH D002836, MONDO:0010604, OMIM 306900.

Submissions (2):

Women's Health and Genetics/Laboratory Corporation of America, LabCorp
Classification: Likely pathogenic for Hereditary factor IX deficiency disease. Last evaluated: 2026-06-11. Review status: criteria provided, single submitter. Criteria: LabCorp Variant Classification Summary - May 2015. Collection method: clinical testing. Allele origin: germline.
Comment: Variant summary: F9 c.278A>G (p.Asp93Gly) results in a non-conservative amino acid change in the encoded protein sequence. Algorithms developed to predict the effect of missense changes on protein structure and function all suggest that this variant is likely to be disruptive. Consensus agreement among computation tools predict no significant impact on normal splicing, and a minigene splicing assay confirmed no exon skipping (Katneni_2019). The variant was absent in 182904 control chromosomes (gnomAD). c.278A>G has been observed in 2 individuals affected with Factor IX Deficiency in the literature or online databases (e.g. Davis_1987, Giannelli_1994, Hamasaki-Katagiri_2012, Factor IX Gene Variant Database). These data indicate that the variant may be associated with disease. A different variant affecting the same codon has been determined to be pathogenic (c.277G>A, p.Asp93Asn), and several other variants affecting this codon have been found in F9 deficiency cases, supporting the critical relevance of codon 93 to F9 protein function. To our knowledge, no experimental evidence demonstrating an impact on protein function has been reported. ClinVar contains an entry for this variant (Variation ID: 10576). Based on the evidence outlined above, the variant was classified as likely pathogenic.

OMIM
Classification: Pathogenic for HEMOPHILIA B. Last evaluated: 1990-06-25. Review status: no assertion criteria provided. Collection method: literature only. Allele origin: germline. Not counted in ClinVar's aggregate classification.

Literature cited by the submitters: PubMed 22639855 (cited by Women's Health and Genetics/Laboratory Corporation of America, LabCorp); PubMed 7937052 (cited by Women's Health and Genetics/Laboratory Corporation of America, LabCorp); PubMed 3790720 (cited by Women's Health and Genetics/Laboratory Corporation of America, LabCorp and OMIM); PubMed 31257730 (cited by Women's Health and Genetics/Laboratory Corporation of America, LabCorp); Davis, L. M., McGraw, R. A., Graham, J. B., Roberts, H. R., Stafford, D. W. Identification of the genetic defect in factor IX (Alabama): DNA sequence analysis reveals a gly substitution for asp(46). (Abstract) Blood 64 (suppl.): 262a, 1984. (cited by OMIM); PubMed 2355000 (cited by OMIM).

NM_000133.4(F9):c.278A>G (p.Asp93Gly)

Gene: F9 (coagulation factor IX; plus strand). Cytogenetic location: Xq27.1.
Variant type: single nucleotide variant.
Coding change: c.278A>G on transcript NM_000133.4 (MANE Select); coding-DNA position 278, A replaced by G.
Protein change: p.Asp93Gly; replaces aspartic acid 93 with glycine.
Molecular consequence: missense variant. On other transcripts: intron variant (1).
Genome position (GRCh38, 1-based): chrX:139,541,076, A>G. VCF-style: chrX-139541076-A-G. GRCh37 (hg19) VCF-style: chrX-138623235-A-G.
Other names: F9, ASP47GLY; D47G; c.277+3690A>G (NM_001313913.2); short protein forms D93G.
Identifiers: ClinVar variation 10576 (VCV000010576.2), dbSNP rs137852230, ClinGen allele CA255322.